The following is an entry in ClinVar:

ClinVar aggregate classification (germline): Uncertain significance (1 of 4 stars; one submission).

Conditions:
Succinate-semialdehyde dehydrogenase deficiency (SSADHD). Also called: Succinic Semialdehyde Dehydrogenase Deficiency; SSADH DEFICIENCY; GABA METABOLIC DEFECT; 4-HYDROXYBUTYRIC ACIDURIA. Identifiers: Orphanet 22, MedGen C0268631, MONDO:0010083, OMIM 271980.

Allele frequency attached by ClinVar (database versions not stated): gnomAD exomes below 0.00001 and 0.00001; ExAC 0.00002.

Submission:

Labcorp Genetics (formerly Invitae), Labcorp
Classification: Uncertain significance for Succinate-semialdehyde dehydrogenase deficiency. Last evaluated: 2023-11-27. Review status: criteria provided, single submitter. Criteria: Invitae Variant Classification Sherloc (09022015). Collection method: clinical testing. Allele origin: germline.
Comment: This sequence change replaces asparagine, which is neutral and polar, with histidine, which is basic and polar, at codon 418 of the ALDH5A1 protein (p.Asn418His). This variant is present in population databases (rs759646740, gnomAD 0.006%). This variant has not been reported in the literature in individuals affected with ALDH5A1-related conditions. ClinVar contains an entry for this variant (Variation ID: 1419461). Advanced modeling of protein sequence and biophysical properties (such as structural, functional, and spatial information, amino acid conservation, physicochemical variation, residue mobility, and thermodynamic stability) performed at Invitae indicates that this missense variant is not expected to disrupt ALDH5A1 protein function with a negative predictive value of 80%. In summary, the available evidence is currently insufficient to determine the role of this variant in disease. Therefore, it has been classified as a Variant of Uncertain Significance.

NM_001080.3(ALDH5A1):c.1252A>C (p.Asn418His)

Gene: ALDH5A1 (aldehyde dehydrogenase 5 family member A1; plus strand). Cytogenetic location: 6p22.3.
Variant type: single nucleotide variant.
Coding change: c.1252A>C on transcript NM_001080.3 (MANE Select); coding-DNA position 1252, A replaced by C.
Protein change: p.Asn418His; replaces asparagine 418 with histidine.
Molecular consequence: missense variant.
Genome position (GRCh38, 1-based): chr6:24,528,075, A>C. VCF-style: chr6-24528075-A-C. GRCh37 (hg19) VCF-style: chr6-24528303-A-C.
Other names: c.1108A>C, p.Asn370His (NM_001368954.1); c.1291A>C, p.Asn431His (NM_170740.1); short protein forms N431H, N370H, N418H.
Identifiers: ClinVar variation 1419461 (VCV001419461.6), dbSNP rs759646740, ClinGen allele CA3656889.